The following is an entry in ClinVar:

NM_001197104.2(KMT2A):c.10639C>T (p.Gln3547Ter)

Gene: KMT2A (lysine methyltransferase 2A; plus strand). Cytogenetic location: 11q23.3.
Variant type: single nucleotide variant.
Coding change: c.10639C>T on transcript NM_001197104.2 (MANE Select); coding-DNA position 10639, C replaced by T.
Protein change: p.Gln3547Ter; replaces glutamine 3547 with a stop codon.
Molecular consequence: nonsense.
Genome position (GRCh38, 1-based): chr11:118,506,531, C>T. VCF-style: chr11-118506531-C-T. GRCh37 (hg19) VCF-style: chr11-118377246-C-T.
Other names: c.10729C>T, p.Gln3577Ter (NM_001412597.1); c.10630C>T, p.Gln3544Ter (NM_005933.4); short protein forms Q3544*, Q3577*, Q3547*.
Identifiers: ClinVar variation 4730861 (VCV004730861.1).
Genomic context (GRCh38, chr11:118,506,531, plus strand): 5'-CGGTCAGCAAGCCCTTCAGTGCCGGGTCCCACTAAACCCAAACCAAAAACCAAACGGTTT[C>T]AGCTGCCTCTAGACAAAGGGAATGGCAAGAAGCACAAAGTTTCCCATTTGCGGACCAGTT-3'

ClinVar aggregate classification (germline): Pathogenic (1 of 4 stars; one submission).

Submission:

Labcorp Genetics (formerly Invitae), Labcorp
Classification: Pathogenic. Last evaluated: 2025-11-10. Review status: criteria provided, single submitter. Criteria: Invitae Variant Classification Sherloc (09022015). Collection method: clinical testing. Allele origin: germline.
Comment: This sequence change creates a premature translational stop signal (p.Gln3547*) in the KMT2A gene. It is expected to result in an absent or disrupted protein product. Loss-of-function variants in KMT2A are known to be pathogenic (PMID: 22795537, 25810209, 29574747). This variant is not present in population databases (gnomAD no frequency). This variant has not been reported in the literature in individuals affected with KMT2A-related conditions. Algorithms developed to predict the effect of sequence changes on RNA splicing suggest that this variant may disrupt the consensus splice site. For these reasons, this variant has been classified as Pathogenic.

Literature cited by the submitters: PubMed 22795537; PubMed 25810209; PubMed 29574747.